The following is an entry in ClinVar:

NM_001042492.3(NF1):c.5971dup (p.Ser1991fs)

Gene: NF1 (neurofibromin 1; plus strand). Cytogenetic location: 17q11.2.
Variant type: Duplication.
Coding change: c.5971dup on transcript NM_001042492.3 (MANE Select); coding-DNA position 5971, one base duplicated (T; older notation c.5971dupT).
Protein change: p.Ser1991fs; shifts the reading frame from serine 1991.
Molecular consequence: frameshift variant.
Genome position (GRCh38, 1-based): chr17:31,334,996, T duplicated. VCF-style (leftmost placement, unchanged base first): chr17-31334995-A-AT. GRCh37 (hg19) VCF-style: chr17-29662013-A-AT.
Other names: c.5908dup, p.Ser1970Phefs (NM_000267.4); short protein forms S1970fs, S1991fs.
Identifiers: ClinVar variation 1452265 (VCV001452265.7), dbSNP rs2151550685, ClinGen allele CA2573153447.

ClinVar aggregate classification (germline): Pathogenic. Review status: criteria provided, multiple submitters, no conflicts (2 of 4 stars). 2 submissions from 2 submitters: Pathogenic (2). Last evaluated 2026-03-19.

Conditions:
Neurofibromatosis, type 1 (NF1). Also called: NEUROFIBROMATOSIS, TYPE I, SOMATIC; VON RECKLINGHAUSEN DISEASE; Peripheral type neurofibromatosis; Neurofibromatosis, type I. Identifiers: Orphanet 636, MedGen C0027831, MONDO:0018975, OMIM 162200. Disease mechanism: loss of function.

Submissions (2):

Institute of Medical Genetics and Applied Genomics, University Hospital Tübingen
Classification: Pathogenic for Neurofibromatosis, type 1. Last evaluated: 2026-03-19. Review status: criteria provided, single submitter. Criteria: ACMG Guidelines, 2015. Collection method: clinical testing. Allele origin: germline. Inheritance: Autosomal dominant inheritance. Affected: yes.

Labcorp Genetics (formerly Invitae), Labcorp
Classification: Pathogenic for Neurofibromatosis, type 1. Last evaluated: 2023-08-10. Review status: criteria provided, single submitter. Criteria: Invitae Variant Classification Sherloc (09022015). Collection method: clinical testing. Allele origin: germline.
Comment: This sequence change creates a premature translational stop signal (p.Ser1970Phefs*18) in the NF1 gene. It is expected to result in an absent or disrupted protein product. Loss-of-function variants in NF1 are known to be pathogenic (PMID: 10712197, 23913538). For these reasons, this variant has been classified as Pathogenic. ClinVar contains an entry for this variant (Variation ID: 1452265). This variant has not been reported in the literature in individuals affected with NF1-related conditions. This variant is not present in population databases (gnomAD no frequency).

Literature cited by the submitters: PubMed 10712197 (cited by Labcorp Genetics (formerly Invitae), Labcorp); PubMed 23913538 (cited by Labcorp Genetics (formerly Invitae), Labcorp).